The following is an entry in ClinVar:

ClinVar aggregate classification (germline): Uncertain significance (1 of 4 stars; one submission).

Allele frequency attached by ClinVar (database versions not stated): TOPMed below 0.00001.

Submission:

Labcorp Genetics (formerly Invitae), Labcorp
Classification: Uncertain significance. Last evaluated: 2023-05-01. Review status: criteria provided, single submitter. Criteria: Invitae Variant Classification Sherloc (09022015). Collection method: clinical testing. Allele origin: germline.
Comment: This sequence change disrupts the translational stop signal of the NRL mRNA. It is expected to extend the length of the NRL protein by 58 additional amino acid residues. This variant is not present in population databases (gnomAD no frequency). This variant has not been reported in the literature in individuals affected with NRL-related conditions. In summary, the available evidence is currently insufficient to determine the role of this variant in disease. Therefore, it has been classified as a Variant of Uncertain Significance.

NM_001354768.3(NRL):c.712T>C (p.Ter238Arg)

Genes: NRL (neural retina leucine zipper; minus strand), LOC130055387 (ATAC-STARR-seq lymphoblastoid silent region 5620; plus strand). Cytogenetic location: 14q11.2.
Variant type: single nucleotide variant.
Coding change: c.712T>C on transcript NM_001354768.3 (MANE Select); coding-DNA position 712, T replaced by C.
Protein change: p.Ter238Arg.
Molecular consequence: stop lost.
Genome position (GRCh38, 1-based): chr14:24,081,238, A>G on the plus strand (T>C on the coding strand, the complement: NRL is on the minus strand). VCF-style: chr14-24081238-A-G. GRCh37 (hg19) VCF-style: chr14-24550447-A-G.
Other names: c.712T>C, p.Ter238Arg (NM_001354769.1, NM_006177.5); c.397T>C, p.Ter133Arg (NM_001354770.2).
Identifiers: ClinVar variation 2802911 (VCV002802911.3), dbSNP rs2036272303, ClinGen allele CA389275967.